The following is an entry in ClinVar:

ClinVar aggregate classification (germline): Pathogenic/Likely pathogenic. Review status: criteria provided, multiple submitters, no conflicts (2 of 4 stars). 2 submissions from 2 submitters: Pathogenic (1); Likely pathogenic (1). Last evaluated 2025-04-27.

Conditions:
DYRK1A-related intellectual disability syndrome (MRD7). Also called: DYRK1A Syndrome; Intellectual developmental disorder, autosomal dominant 7. Identifiers: Orphanet 464306, MedGen C5568143, MONDO:0013578, OMIM 614104.
DYRK1A-related disorder.

Submissions (2):

Labcorp Genetics (formerly Invitae), Labcorp
Classification: Pathogenic for DYRK1A-related intellectual disability syndrome. Last evaluated: 2025-04-27. Review status: criteria provided, single submitter. Criteria: Invitae Variant Classification Sherloc (09022015). Collection method: clinical testing. Allele origin: germline.
Comment: This sequence change creates a premature translational stop signal (p.Arg86Valfs*8) in the DYRK1A gene. It is expected to result in an absent or disrupted protein product. Loss-of-function variants in DYRK1A are known to be pathogenic (PMID: 25944381). This variant is not present in population databases (gnomAD no frequency). This premature translational stop signal has been observed in individual(s) with clinical features of DYRK1A-related conditions (PMID: 33057194). For these reasons, this variant has been classified as Pathogenic.

Blueprint Genetics
Classification: Likely pathogenic for DYRK1A-related disorders. Last evaluated: 2023-03-06. Review status: criteria provided, single submitter. Criteria: ACMG Guidelines, 2015. Collection method: clinical testing. Allele origin: germline. Affected: yes. Observed: 1 variant allele.

Literature cited by the submitters: PubMed 25944381 (cited by Labcorp Genetics (formerly Invitae), Labcorp); PubMed 33057194 (cited by Labcorp Genetics (formerly Invitae), Labcorp).

NM_001347721.2(DYRK1A):c.229del (p.Arg77fs)

Gene: DYRK1A (dual specificity tyrosine phosphorylation regulated kinase 1A; plus strand). Cytogenetic location: 21q22.13.
Variant type: Deletion.
Coding change: c.229del on transcript NM_001347721.2 (MANE Select); coding-DNA position 229, one base deleted (C; older notation c.229delC).
Protein change: p.Arg77fs; shifts the reading frame from arginine 77.
Molecular consequence: frameshift variant.
Genome position (GRCh38, 1-based): chr21:37,478,229, C deleted; the last of 2 consecutive C bases (chr21:37,478,228-37,478,229); deleting either gives the same sequence. VCF-style (leftmost placement, unchanged base first): chr21-37478227-TC-T. GRCh37 (hg19) VCF-style: chr21-38850529-TC-T.
Other names: c.229del, p.Arg77fs (NM_001347722.2, NM_130436.2); c.142del, p.Arg48fs (NM_001347723.2); c.256del, p.Arg86fs (NM_001396.5, NM_101395.2, NM_130438.2); short protein forms R77fs, R86fs, R48fs.
Identifiers: ClinVar variation 4710840 (VCV004710840.2).